The following is an entry in ClinVar:

NC_000007.14:g.(?_65974275)_(65982203_?)del

Gene: GUSB (glucuronidase beta; minus strand). Cytogenetic location: 7q11.21.
Variant type: Deletion.
Identifiers: ClinVar variation 583875 (VCV000583875.5).

ClinVar aggregate classification (germline): Pathogenic (1 of 4 stars; one submission).

Conditions:
Mucopolysaccharidosis type 7 (MPS7). Also called: SLY SYNDROME; MPS VII; BETA-GLUCURONIDASE DEFICIENCY; GUSB DEFICIENCY. Identifiers: Orphanet 584, MedGen C0085132, MONDO:0009662, OMIM 253220.

Submission:

Labcorp Genetics (formerly Invitae), Labcorp
Classification: Pathogenic for Mucopolysaccharidosis type 7. Last evaluated: 2018-06-23. Review status: criteria provided, single submitter. Criteria: Invitae Variant Classification Sherloc (09022015). Collection method: clinical testing. Allele origin: germline.
Comment: For these reasons, this variant has been classified as Pathogenic. Loss-of-function variants in GUSB are known to be pathogenic (PMID: 19224584). This variant has not been reported in the literature in individuals with GUSB-related disease. This variant is a gross deletion of the genomic region encompassing exons 1-8 of the GUSB gene, which includes the initiator codon. The 5' end of this event is unknown as it extends beyond the assayed region for this gene and therefore may encompass additional genes. The 3' boundary is likely confined to intron 8 of the GUSB gene. This is expected to result in an absent or disrupted protein product.

Literature cited by the submitters: PubMed 19224584.